The following is an entry in ClinVar:

NM_015046.7(SETX):c.4639A>G (p.Thr1547Ala)

Gene: SETX (senataxin; minus strand). Cytogenetic location: 9q34.13.
Variant type: single nucleotide variant.
Coding change: c.4639A>G on transcript NM_015046.7 (MANE Select); coding-DNA position 4639, A replaced by G.
Protein change: p.Thr1547Ala; replaces threonine 1547 with alanine.
Molecular consequence: missense variant.
Genome position (GRCh38, 1-based): chr9:132,326,959, T>C on the plus strand (A>G on the coding strand, the complement: SETX is on the minus strand). VCF-style: chr9-132326959-T-C. GRCh37 (hg19) VCF-style: chr9-135202346-T-C.
Other names: c.4639A>G, p.Thr1547Ala (NM_001351527.2, NM_001351528.2); short protein forms T1547A.
Identifiers: ClinVar variation 4791739 (VCV004791739.1).
Genomic context (GRCh38, chr9:132,326,959, plus strand): 5'-TTGGGCAGTATTCACCCTGGTTTTTTGTGGTTTCAAGACAATCTTTGTACTTACACTTTG[T>C]GCCACTCAAAGATTCCAACTGAGGCCGACTTACAGAATCTTCTTCAACCTCAACTGTATC-3'
Protein context (NP_055861.3, residues 1537-1557): SRPQLESLSG[Thr1547Ala]KCKYKDCLET

ClinVar aggregate classification (germline): Uncertain significance (1 of 4 stars; one submission).

Conditions:
Spinocerebellar ataxia, autosomal recessive, with axonal neuropathy 2 (SCAN2). Also called: ATAXIA-OCULOMOTOR APRAXIA 2; Ataxia-ocular apraxia-2; Ataxia with Oculomotor Apraxia; Ataxia with Oculomotor Apraxia Type 2. Identifiers: Orphanet 64753, MedGen C1853761, MONDO:0018996, OMIM 606002.
Amyotrophic lateral sclerosis type 4 (ALS4). Also called: AMYOTROPHIC LATERAL SCLEROSIS 4, JUVENILE; NEURONOPATHY, DISTAL HEREDITARY MOTOR, WITH PYRAMIDAL FEATURES. Identifiers: Orphanet 357043, MedGen C1865409, MONDO:0011223, OMIM 602433.

Submission:

Labcorp Genetics (formerly Invitae), Labcorp
Classification: Uncertain significance for Amyotrophic lateral sclerosis type 4; Spinocerebellar ataxia, autosomal recessive, with axonal neuropathy 2. Last evaluated: 2025-08-13. Review status: criteria provided, single submitter. Criteria: Invitae Variant Classification Sherloc (09022015). Collection method: clinical testing. Allele origin: germline.
Comment: This sequence change replaces threonine, which is neutral and polar, with alanine, which is neutral and non-polar, at codon 1547 of the SETX protein (p.Thr1547Ala). This variant is not present in population databases (gnomAD no frequency). This variant has not been reported in the literature in individuals affected with SETX-related conditions. Invitae Evidence Modeling of protein sequence and biophysical properties (such as structural, functional, and spatial information, amino acid conservation, physicochemical variation, residue mobility, and thermodynamic stability) indicates that this missense variant is not expected to disrupt SETX protein function with a negative predictive value of 95%. In summary, the available evidence is currently insufficient to determine the role of this variant in disease. Therefore, it has been classified as a Variant of Uncertain Significance.